The following is an entry in ClinVar:

ClinVar aggregate classification (germline): Pathogenic (1 of 4 stars; one submission).

Conditions:
Hereditary cancer-predisposing syndrome. Also called: Hereditary Cancer Syndrome; Neoplastic Syndromes, Hereditary; Tumor predisposition; Hereditary neoplastic syndrome. Identifiers: Orphanet 140162, MedGen C0027672, MeSH D009386, MONDO:0015356.

gnomAD v4.1: 4 of 1,614,156 alleles (0.00025%); highest among the groups gnomAD compares: Non-Finnish European, 0.00034%; no homozygotes.

Submission:

Ambry Genetics
Classification: Pathogenic for Hereditary cancer-predisposing syndrome. Last evaluated: 2026-06-17. Review status: criteria provided, single submitter. Criteria: Ambry Variant Classification Scheme 2023. Collection method: clinical testing. Allele origin: germline.
Comment: The p.G247* pathogenic mutation (also known as c.739G>T), located in coding exon 6 of the CDK4 gene, results from a G to T substitution at nucleotide position 739. This changes the amino acid from a glycine to a stop codon within coding exon 6. This variant is considered to be rare based on population cohorts in the Genome Aggregation Database (gnomAD). This alteration is expected to result in loss of function by premature protein truncation or nonsense-mediated mRNA decay. As such, this alteration is interpreted as a disease-causing mutation.

NM_000075.4(CDK4):c.739G>T (p.Gly247Ter)

Genes: CDK4 (cyclin dependent kinase 4; minus strand), TSPAN31 (tetraspanin 31; plus strand). Cytogenetic location: 12q14.1.
Variant type: single nucleotide variant.
Coding change: c.739G>T on transcript NM_000075.4 (MANE Select); coding-DNA position 739, G replaced by T.
Protein change: p.Gly247Ter; replaces glycine 247 with a stop codon.
Molecular consequence: nonsense. On other transcripts: 3 prime UTR variant (3).
Genome position (GRCh38, 1-based): chr12:57,749,262, C>A on the plus strand (G>T on the coding strand, the complement: CDK4 is on the minus strand). VCF-style: chr12-57749262-C-A. GRCh37 (hg19) VCF-style: chr12-58143045-C-A.
Other names: c.*1972C>A (NM_001330168.2, NM_001330169.2, NM_005981.5); short protein forms G247*.
Identifiers: ClinVar variation 5034215 (VCV005034215.1).